The following is an entry in ClinVar:

NM_000090.4(COL3A1):c.81del (p.Val28fs)

Gene: COL3A1 (collagen type III alpha 1 chain; plus strand). Cytogenetic location: 2q32.2.
Variant type: Deletion.
Coding change: c.81del on transcript NM_000090.4 (MANE Select); coding-DNA position 81, one base deleted (T; older notation c.81delT).
Protein change: p.Val28fs; shifts the reading frame from valine 28.
Molecular consequence: frameshift variant.
Genome position (GRCh38, 1-based): chr2:188,984,761, T deleted. VCF-style (leftmost placement, unchanged base first): chr2-188984760-CT-C. GRCh37 (hg19) VCF-style: chr2-189849486-CT-C.
Other names: c.81delT (NM_000090.3); short protein forms V28fs.
Identifiers: ClinVar variation 404300 (VCV000404300.7), dbSNP rs1060500200, ClinGen allele CA16610629.

ClinVar aggregate classification (germline): Pathogenic (1 of 4 stars; one submission).

Conditions:
Ehlers-Danlos syndrome, type 4 (EDSVASC). Also called: Ehlers-Danlos Syndrome Type IV; Ehlers-Danlos syndrome vascular type; Ehlers Danlos syndrome, ecchymotic type; Ehlers Danlos syndrome, arterial type; Ehlers Danlos syndrome, Sack-Barabas type. Identifiers: Orphanet 286, MedGen C0268338, MONDO:0017314, OMIM 130050.

Submission:

Labcorp Genetics (formerly Invitae), Labcorp
Classification: Pathogenic for Ehlers-Danlos syndrome, type 4. Last evaluated: 2020-02-07. Review status: criteria provided, single submitter. Criteria: Invitae Variant Classification Sherloc (09022015). Collection method: clinical testing. Allele origin: germline.
Comment: This sequence change deletes 1 nucleotide from exon 2 of the COL3A1 mRNA (c.81delT), causing a frameshift at codon 28. This creates a premature translational stop signal (p.Val28Leufs*38) and is expected to result in an absent or disrupted protein product. While this particular variant has not been reported in the literature, loss-of-function variants in COL3A1 are known to be pathogenic (PMID: 24922459). For these reasons, this variant has been classified as Pathogenic.

Literature cited by the submitters: PubMed 24922459.